The following is an entry in ClinVar:

ClinVar aggregate classification (germline): Likely pathogenic (1 of 4 stars; one submission).

Conditions:
Wilson disease (WND). Also called: Wilson's disease. Identifiers: Orphanet 905, MedGen C0019202, MONDO:0010200, OMIM 277900. Disease mechanism: loss of function.

Submission:

Natera, Inc.
Classification: Likely pathogenic for Wilson disease. Last evaluated: 2024-06-24. Review status: criteria provided, single submitter. Criteria: Natera Variant Classification Schema (03/2026). Collection method: clinical testing. Allele origin: germline.
Comment: The c.2756G>T variant in ATP7B is a missense variant predicted to cause substitution of arginine to leucine at amino acid 919. This variant is rare in the general population with a frequency below the threshold expected for the associated phenotype(s). This variant has been observed in one or more individuals affected with the associated recessive disease, as either homozygous or compound heterozygous with a second variant (PMID: 33640437). A different variant at the same position has been determined to be Pathogenic or Likely Pathogenic. Computational prediction algorithms indicate this variant is likely to affect gene or protein function. Given the available evidence, this variant is classified as Likely Pathogenic.

Literature cited by the submitters: PubMed 33640437.

NM_000053.4(ATP7B):c.2756G>T (p.Arg919Leu)

Gene: ATP7B (ATPase copper transporting beta; minus strand). Cytogenetic location: 13q14.3.
Variant type: single nucleotide variant.
Coding change: c.2756G>T on transcript NM_000053.4 (MANE Select); coding-DNA position 2756, G replaced by T.
Protein change: p.Arg919Leu; replaces arginine 919 with leucine.
Molecular consequence: missense variant. On other transcripts: intron variant (3).
Genome position (GRCh38, 1-based): chr13:51,949,771, C>A on the plus strand (G>T on the coding strand, the complement: ATP7B is on the minus strand). VCF-style: chr13-51949771-C-A. GRCh37 (hg19) VCF-style: chr13-52523907-C-A.
Other names: c.2327G>T, p.Arg776Leu (NM_001406539.1); c.2504G>T, p.Arg835Leu (NM_001406540.1, NM_001330579.2, NM_001406531.1 and 1 more transcripts); c.2270G>T, p.Arg757Leu (NM_001406541.1, NM_001406542.1, NM_001406546.1); c.2408G>T, p.Arg803Leu (NM_001406543.1); c.2174G>T, p.Arg725Leu (NM_001406544.1); c.2108G>T, p.Arg703Leu (NM_001406545.1, NM_001406547.1); c.1466G>T, p.Arg489Leu (NM_001406548.1); c.2423G>T, p.Arg808Leu (NM_001243182.2); and 10 more; short protein forms R489L, R703L, R725L, R757L, R776L, R803L, R808L, R809L.
Identifiers: ClinVar variation 4815282 (VCV004815282.1).